The following is an entry in ClinVar:

ClinVar aggregate classification (germline): Uncertain significance (1 of 4 stars; one submission).

Conditions:
Marfan syndrome (MFS). Also called: MARFAN SYNDROME, TYPE I; Marfan syndrome type 1; Marfan's syndrome; Marfan syndrome, classic; FBN1-Related Marfan Syndrome. Identifiers: Orphanet 284963, Orphanet 558, MedGen C0024796, MONDO:0007947, OMIM 154700.

Allele frequency attached by ClinVar (database versions not stated): gnomAD exomes below 0.00001.
gnomAD v4.1: 1 of 1,614,176 alleles (0.000062%); highest among the groups gnomAD compares: Non-Finnish European, 0.000085%; no homozygotes.

Submission:

All of Us Research Program, National Institutes of Health
Classification: Uncertain significance for Marfan syndrome. Last evaluated: 2023-04-03. Review status: criteria provided, single submitter. Criteria: ACMG Guidelines, 2015. Collection method: clinical testing. Allele origin: germline. Inheritance: Autosomal dominant inheritance. Observed: 1 variant allele, 1 heterozygote.
Comment: This missense variant replaces asparagine with serine at codon 2791 of the FBN1 protein. Computational prediction suggests that this variant may not impact protein structure and function (internally defined REVEL score threshold <= 0.5, PMID: 27666373). To our knowledge, functional studies have not been reported for this variant. This variant has not been reported in individuals affected with FBN1-related disorders in the literature. This variant has not been identified in the general population by the Genome Aggregation Database (gnomAD). The available evidence is insufficient to determine the role of this variant in disease conclusively. Therefore, this variant is classified as a Variant of Uncertain Significance.

This study involves interpretation of variants in research participants for the purpose of population health screening. Participant phenotype was not available at the time of variant classification. Additional details can be found in publication PMID: 35346344, PMCID: PMC8962531

NM_000138.5(FBN1):c.8372A>G (p.Asn2791Ser)

Gene: FBN1 (fibrillin 1; minus strand). Cytogenetic location: 15q21.1.
Variant type: single nucleotide variant.
Coding change: c.8372A>G on transcript NM_000138.5 (MANE Select); coding-DNA position 8372, A replaced by G.
Protein change: p.Asn2791Ser; replaces asparagine 2791 with serine.
Molecular consequence: missense variant.
Genome position (GRCh38, 1-based): chr15:48,411,234, T>C on the plus strand (A>G on the coding strand, the complement: FBN1 is on the minus strand). VCF-style: chr15-48411234-T-C. GRCh37 (hg19) VCF-style: chr15-48703431-T-C.
Other names: c.8372A>G, p.Asn2791Ser (NM_001406716.1); short protein forms N2791S.
Identifiers: ClinVar variation 3070192 (VCV003070192.1), dbSNP rs2505371275, ClinGen allele CA392319339.